The following is an entry in ClinVar:

ClinVar aggregate classification (germline): Benign. Review status: criteria provided, multiple submitters, no conflicts (2 of 4 stars). 15 submissions from 15 submitters: Benign (12). 3 of the submissions do not count toward it. Last evaluated 2026-02-04.

Conditions:
Smith-Lemli-Opitz syndrome (SLOS). Also called: 7-Dehydrocholesterol reductase deficiency; LETHAL ACRODYSGENITAL SYNDROME; POLYDACTYLY, SEX REVERSAL, RENAL HYPOPLASIA, AND UNILOBAR LUNG; RSH SYNDROME; RUTLEDGE LETHAL MULTIPLE CONGENITAL ANOMALY SYNDROME. Identifiers: Orphanet 818, MedGen C0175694, MONDO:0010035, OMIM 270400.
Inborn genetic diseases. Identifiers: MedGen C0950123, MeSH D030342.

Allele frequency attached by ClinVar (database versions not stated): 1000 Genomes Project 0.40096; 1000 Genomes Project 30x 0.40740; gnomAD exomes 0.56538 and 0.69021; ExAC 0.57185; gnomAD 0.57771 and 0.59041; TOPMed 0.57844; ESP Exome Variant Server 0.62691.
gnomAD v4.1: 1,090,823 of 1,610,010 alleles (68%); highest among the groups gnomAD compares: Non-Finnish European, 76%; 392,378 homozygotes.

Submissions (15):

Labcorp Genetics (formerly Invitae), Labcorp
Classification: Benign for Smith-Lemli-Opitz syndrome. Last evaluated: 2026-02-04. Review status: criteria provided, single submitter. Criteria: Invitae Variant Classification Sherloc (09022015). Collection method: clinical testing. Allele origin: germline.

Blueprint Genetics
Classification: Benign. Last evaluated: 2024-11-27. Review status: criteria provided, single submitter. Criteria: ACMG Guidelines, 2015. Collection method: clinical testing. Allele origin: germline.

Mayo Clinic Laboratories, Mayo Clinic
Classification: Benign. Last evaluated: 2022-05-05. Review status: criteria provided, single submitter. Criteria: ACMG Guidelines, 2015. Collection method: clinical testing. Allele origin: germline. Observed: 508 variant alleles.

ARUP Laboratories, Molecular Genetics and Genomics, ARUP Laboratories
Classification: Benign for Smith-Lemli-Opitz syndrome. Last evaluated: 2021-10-05. Review status: criteria provided, single submitter. Criteria: ARUP Molecular Germline Variant Investigation Process 2021. Collection method: clinical testing. Allele origin: germline.

Genome-Nilou Lab
Classification: Benign for Smith-Lemli-Opitz syndrome. Last evaluated: 2021-07-01. Review status: criteria provided, single submitter. Criteria: ACMG Guidelines, 2015. Collection method: clinical testing. Allele origin: germline. Affected: no.

Eurofins Ntd Llc (ga)
Classification: Benign. Last evaluated: 2018-06-06. Review status: criteria provided, single submitter. Criteria: EGL ClinVar v180209 classification definitions. Collection method: clinical testing. Allele origin: germline. Observed: 30 variant alleles, 22 heterozygotes, 8 homozygotes.

Illumina Laboratory Services, Illumina
Classification: Benign for Smith-Lemli-Opitz syndrome. Last evaluated: 2018-01-12. Review status: criteria provided, single submitter. Criteria: ICSL Variant Classification Criteria 13 December 2019. Collection method: clinical testing. Allele origin: germline.
Comment: This variant was observed in the ICSL laboratory as part of a predisposition screen in an ostensibly healthy population. It had not been previously curated by ICSL or reported in the Human Gene Mutation Database (HGMD: prior to June 1st, 2018), and was therefore a candidate for classification through an automated scoring system. Utilizing variant allele frequency, disease prevalence and penetrance estimates, and inheritance mode, an automated score was calculated to assess if this variant is too frequent to cause the disease. Based on the score and internal cut-off values, a variant classified as benign is not then subjected to further curation. The score for this variant resulted in a classification of benign for this disease.

Athena Diagnostics
Classification: Benign for Smith-Lemli-Opitz syndrome. Last evaluated: 2017-05-08. Review status: criteria provided, single submitter. Criteria: Athena Diagnostics Criteria. Collection method: clinical testing. Allele origin: germline.

Ambry Genetics
Classification: Benign for Inborn genetic diseases. Last evaluated: 2016-03-11. Review status: criteria provided, single submitter. Criteria: Ambry Variant Classification Scheme 2023. Collection method: clinical testing. Allele origin: germline.

GeneDx
Classification: Benign. Last evaluated: 2015-03-03. Review status: criteria provided, single submitter. Criteria: GeneDx Variant Classification Process June 2021. Collection method: clinical testing. Allele origin: germline. Affected: yes.

Breakthrough Genomics
Classification: Benign. Review status: criteria provided, single submitter. Criteria: ACMG Guidelines, 2015. Collection method: not provided. Allele origin: germline. Inheritance: Autosomal recessive inheritance. Affected: yes.

PreventionGenetics, part of Exact Sciences
Classification: Benign. Review status: criteria provided, single submitter. Criteria: ACMG Guidelines, 2015. Collection method: clinical testing. Allele origin: germline.

Natera, Inc.
Classification: Benign for Smith-Lemli-Opitz syndrome. Last evaluated: 2017-08-09. Review status: no assertion criteria provided. Collection method: clinical testing. Allele origin: germline. Not counted in ClinVar's aggregate classification.

Diagnostic Laboratory, Department of Genetics, University Medical Center Groningen
Classification: Benign. Review status: no assertion criteria provided. Collection method: clinical testing. Allele origin: germline. Affected: yes. Study: VKGL Data-share Consensus. Not counted in ClinVar's aggregate classification.

Joint Genome Diagnostic Labs from Nijmegen and Maastricht, Radboudumc and MUMC+
Classification: Benign. Review status: no assertion criteria provided. Collection method: clinical testing. Allele origin: germline. Affected: yes. Study: VKGL Data-share Consensus. Not counted in ClinVar's aggregate classification.

Literature cited by the submitters: PubMed 11111101 (cited by Athena Diagnostics).

NM_001360.3(DHCR7):c.189G>A (p.Gln63=)

Gene: DHCR7 (7-dehydrocholesterol reductase; minus strand). Cytogenetic location: 11q13.4.
Variant type: single nucleotide variant.
Coding change: c.189G>A on transcript NM_001360.3 (MANE Select); coding-DNA position 189, G replaced by A.
Protein change: p.Gln63=; no amino-acid change (glutamine 63 retained).
Molecular consequence: synonymous variant.
Genome position (GRCh38, 1-based): chr11:71,444,125, C>T on the plus strand (G>A on the coding strand, the complement: DHCR7 is on the minus strand). VCF-style: chr11-71444125-C-T. GRCh37 (hg19) VCF-style: chr11-71155171-C-T.
Other names: p.Gln63=; c.189G>A, p.Gln63= (NM_001163817.2).
Identifiers: ClinVar variation 93713 (VCV000093713.41), dbSNP rs1044482, ClinGen allele CA147239.
Genomic context (GRCh38, chr11:71,444,125, plus strand): 5'-CGAGAGCCGAGCATGTCCGGTGACGATGTCCACCACAGGGCCAGTCAGGGCGCAGCTGTA[C>T]TGGTCACAAGCCATGATGAAGTAGTAGACGATGAAGGGGGCGAACAGCAGTAGGAAGATG-3'
Protein context (NP_001351.2, residues 53-73): IVYYFIMACD[Gln63=]YSCALTGPVV